The following is an entry in ClinVar:

ClinVar aggregate classification (germline): Uncertain significance (1 of 4 stars; one submission).

Allele frequency attached by ClinVar (database versions not stated): gnomAD exomes below 0.00001.

Submission:

Labcorp Genetics (formerly Invitae), Labcorp
Classification: Uncertain significance. Last evaluated: 2022-11-08. Review status: criteria provided, single submitter. Criteria: Invitae Variant Classification Sherloc (09022015). Collection method: clinical testing. Allele origin: germline.
Comment: This variant has not been reported in the literature in individuals affected with BEST1-related conditions. In summary, the available evidence is currently insufficient to determine the role of this variant in disease. Therefore, it has been classified as a Variant of Uncertain Significance. Advanced modeling of protein sequence and biophysical properties (such as structural, functional, and spatial information, amino acid conservation, physicochemical variation, residue mobility, and thermodynamic stability) performed at Invitae indicates that this missense variant is expected to disrupt BEST1 protein function. ClinVar contains an entry for this variant (Variation ID: 955207). This variant is not present in population databases (gnomAD no frequency). This sequence change replaces glycine, which is neutral and non-polar, with aspartic acid, which is acidic and polar, at codon 199 of the BEST1 protein (p.Gly199Asp).

NM_004183.4(BEST1):c.596G>A (p.Gly199Asp)

Gene: BEST1 (bestrophin 1; plus strand). Cytogenetic location: 11q12.3.
Variant type: single nucleotide variant.
Coding change: c.596G>A on transcript NM_004183.4 (MANE Select); coding-DNA position 596, G replaced by A.
Protein change: p.Gly199Asp; replaces glycine 199 with aspartic acid.
Molecular consequence: missense variant. On other transcripts: non-coding transcript variant (1).
Genome position (GRCh38, 1-based): chr11:61,956,958, G>A. VCF-style: chr11-61956958-G-A. GRCh37 (hg19) VCF-style: chr11-61724430-G-A.
Other names: c.416G>A, p.Gly139Asp (NM_001139443.3, NM_001300786.2, NM_001300787.2); c.278G>A, p.Gly93Asp (NM_001363591.3); c.596G>A, p.Gly199Asp (NM_001363592.2); c.-580G>A (NM_001363593.3); short protein forms G139D, G199D, G93D.
Identifiers: ClinVar variation 955207 (VCV000955207.9), dbSNP rs1941434511, ClinGen allele CA380837673.